The following is an entry in ClinVar:

ClinVar aggregate classification (germline): Uncertain significance. Review status: criteria provided, multiple submitters, no conflicts (2 of 4 stars). 2 submissions from 2 submitters: Uncertain significance (2). Last evaluated 2024-08-01.

gnomAD v4.1: 11 of 1,613,948 alleles (0.00068%); highest among the groups gnomAD compares: South Asian, 0.0022%; no homozygotes.

Submissions (2):

Ambry Genetics
Classification: Uncertain significance. Last evaluated: 2024-08-01. Review status: criteria provided, single submitter. Criteria: Ambry Variant Classification Scheme 2023. Collection method: clinical testing. Allele origin: germline.

GeneDx
Classification: Uncertain significance. Last evaluated: 2023-05-02. Review status: criteria provided, single submitter. Criteria: GeneDx Variant Classification Process June 2021. Collection method: clinical testing. Allele origin: germline. Affected: yes.
Comment: Not observed at significant frequency in large population cohorts (gnomAD); In silico analysis supports that this missense variant has a deleterious effect on protein structure/function; Has not been previously published as pathogenic or benign to our knowledge

NM_001080421.3(UNC13A):c.632C>G (p.Pro211Arg)

Gene: UNC13A (unc-13 homolog A; minus strand). Cytogenetic location: 19p13.11.
Variant type: single nucleotide variant.
Coding change: c.632C>G on transcript NM_001080421.3 (MANE Select); coding-DNA position 632, C replaced by G.
Protein change: p.Pro211Arg; replaces proline 211 with arginine.
Molecular consequence: missense variant.
Genome position (GRCh38, 1-based): chr19:17,658,197, G>C on the plus strand (C>G on the coding strand, the complement: UNC13A is on the minus strand). VCF-style: chr19-17658197-G-C. GRCh37 (hg19) VCF-style: chr19-17769006-G-C.
Other names: c.632C>G, p.Pro211Arg (NM_001387021.1, NM_001387022.1, NM_001387023.1); short protein forms P211R.
Identifiers: ClinVar variation 2663637 (VCV002663637.2), dbSNP rs752113718, ClinGen allele CA9298697.
Genomic context (GRCh38, chr19:17,658,197, plus strand): 5'-GGTGGGCGAACAGAATATTGGTGGACTGAGGCGTTGGGTTGTGACGTAGTATAATAGGGC[G>C]GCGGGATGCTGTTGCTCGTTTCACTGCGGTAGTCACTGTCACGATCATCCACTGCACTGT-3'
Protein context (NP_001073890.2, residues 201-221): YRSETSNSIP[Pro211Arg]PYYTTSQPNA